The following is an entry in ClinVar:

NC_000006.12:g.32109603C>T

Gene: TNXB (tenascin XB; minus strand). Cytogenetic location: 6p21.32.
Variant type: single nucleotide variant.
Genome position: GRCh38 VCF-style: chr6-32109603-C-T. GRCh37 (hg19) VCF-style: chr6-32077380-C-T.
Identifiers: ClinVar variation 1268483 (VCV001268483.2), dbSNP rs411337, ClinGen allele CA12441398.

ClinVar aggregate classification (germline): Benign (1 of 4 stars; one submission).

Allele frequency attached by ClinVar (database versions not stated): TOPMed 0.11928; 1000 Genomes Project 0.15415; 1000 Genomes Project 30x 0.15740.

Submission:

GeneDx
Classification: Benign. Last evaluated: 2021-02-26. Review status: criteria provided, single submitter. Criteria: GeneDx Variant Classification Process June 2021. Collection method: clinical testing. Allele origin: germline. Affected: yes.
Comment: This variant is associated with the following publications: (PMID: 32056283)